The following is an entry in ClinVar:

ClinVar aggregate classification (germline): Uncertain significance (1 of 4 stars; one submission).

gnomAD v4.1: 5 of 1,612,766 alleles (0.00031%); highest among the groups gnomAD compares: East Asian, 0.011%; no homozygotes.

Submission:

Labcorp Genetics (formerly Invitae), Labcorp
Classification: Uncertain significance. Last evaluated: 2025-10-10. Review status: criteria provided, single submitter. Criteria: Invitae Variant Classification Sherloc (09022015). Collection method: clinical testing. Allele origin: germline.
Comment: This sequence change replaces glutamic acid, which is acidic and polar, with glycine, which is neutral and non-polar, at codon 1819 of the HMCN1 protein (p.Glu1819Gly). This variant is present in population databases (rs767377211, gnomAD 0.03%). This variant has not been reported in the literature in individuals affected with HMCN1-related conditions. An algorithm developed to predict the effect of missense changes on protein structure and function (PolyPhen-2) suggests that this variant is likely to be disruptive. In summary, the available evidence is currently insufficient to determine the role of this variant in disease. Therefore, it has been classified as a Variant of Uncertain Significance.

NM_031935.3(HMCN1):c.5456A>G (p.Glu1819Gly)

Gene: HMCN1 (hemicentin 1; plus strand). Cytogenetic location: 1q31.1.
Variant type: single nucleotide variant.
Coding change: c.5456A>G on transcript NM_031935.3 (MANE Select); coding-DNA position 5456, A replaced by G.
Protein change: p.Glu1819Gly; replaces glutamic acid 1819 with glycine.
Molecular consequence: missense variant.
Genome position (GRCh38, 1-based): chr1:186,018,338, A>G. VCF-style: chr1-186018338-A-G. GRCh37 (hg19) VCF-style: chr1-185987470-A-G.
Other names: short protein forms E1819G.
Identifiers: ClinVar variation 4781399 (VCV004781399.1).
Genomic context (GRCh38, chr1:186,018,338, plus strand): 5'-ACACAGGCCTTTATCGGTGCATGGCAGCAAATACTGCTGGAGACCACAAGAAGGAATTTG[A>G]AGTGACTGTTCATGGTATGCTGAAGAAGGGACAGGAACTTTGCATCTTAAATTAATTTAT-3'
Protein context (NP_114141.2, residues 1809-1829): NTAGDHKKEF[Glu1819Gly]VTVHVPPTIK